The following is an entry in ClinVar:

ClinVar aggregate classification (germline): Uncertain significance. Review status: criteria provided, multiple submitters, no conflicts (2 of 4 stars). 3 submissions from 3 submitters: Uncertain significance (3). Last evaluated 2025-07-31.

Conditions:
ABCA4-related disorder. Also called: ABCA4-related condition; ABCA4-related disorders. Identifiers: MedGen CN239167.

Allele frequency attached by ClinVar (database versions not stated): ExAC 0.00001; gnomAD 0.00001; gnomAD exomes 0.00001; TOPMed 0.00002; ESP Exome Variant Server 0.00015.
gnomAD v4.1: 23 of 1,614,072 alleles (0.0014%); highest among the groups gnomAD compares: Non-Finnish European, 0.0019%; no homozygotes.

Submissions (3):

Labcorp Genetics (formerly Invitae), Labcorp
Classification: Uncertain significance. Last evaluated: 2025-07-31. Review status: criteria provided, single submitter. Criteria: Invitae Variant Classification Sherloc (09022015). Collection method: clinical testing. Allele origin: germline.
Comment: This sequence change replaces serine, which is neutral and polar, with threonine, which is neutral and polar, at codon 827 of the ABCA4 protein (p.Ser827Thr). This variant is present in population databases (rs144018419, gnomAD 0.002%). This variant has not been reported in the literature in individuals affected with ABCA4-related conditions. ClinVar contains an entry for this variant (Variation ID: 873958). Invitae Evidence Modeling of protein sequence and biophysical properties (such as structural, functional, and spatial information, amino acid conservation, physicochemical variation, residue mobility, and thermodynamic stability) indicates that this missense variant is expected to disrupt ABCA4 protein function with a positive predictive value of 95%. In summary, the available evidence is currently insufficient to determine the role of this variant in disease. Therefore, it has been classified as a Variant of Uncertain Significance.

PreventionGenetics, part of Exact Sciences
Classification: Uncertain significance for ABCA4-related condition. Last evaluated: 2024-10-13. Review status: criteria provided, single submitter. Criteria: ACMG Guidelines, 2015. Collection method: clinical testing. Allele origin: germline.
Comment: The ABCA4 c.2480G>C variant is predicted to result in the amino acid substitution p.Ser827Thr. To our knowledge, this variant has not been reported in the literature. This variant is reported in 0.0062% of alleles in individuals of African descent in gnomAD. At this time, the clinical significance of this variant is uncertain due to the absence of conclusive functional and genetic evidence.

Illumina Laboratory Services, Illumina
Classification: Uncertain significance for ABCA4-Related Disorders. Last evaluated: 2018-01-13. Review status: criteria provided, single submitter. Criteria: ICSL Variant Classification Criteria 13 December 2019. Collection method: clinical testing. Allele origin: germline.

NM_000350.3(ABCA4):c.2480G>C (p.Ser827Thr)

Gene: ABCA4 (ATP binding cassette subfamily A member 4; minus strand). Cytogenetic location: 1p22.1.
Variant type: single nucleotide variant.
Coding change: c.2480G>C on transcript NM_000350.3 (MANE Select); coding-DNA position 2480, G replaced by C.
Protein change: p.Ser827Thr; replaces serine 827 with threonine.
Molecular consequence: missense variant.
Genome position (GRCh38, 1-based): chr1:94,055,218, C>G on the plus strand (G>C on the coding strand, the complement: ABCA4 is on the minus strand). VCF-style: chr1-94055218-C-G. GRCh37 (hg19) VCF-style: chr1-94520774-C-G.
Other names: c.2258G>C, p.Ser753Thr (NM_001425324.1); short protein forms S827T, S753T.
Identifiers: ClinVar variation 873958 (VCV000873958.9), dbSNP rs144018419, ClinGen allele CA958262.